The following is an entry in ClinVar:

NM_004204.5(PIGQ):c.1579C>T (p.Arg527Cys)

Gene: PIGQ (phosphatidylinositol glycan anchor biosynthesis class Q; plus strand). Cytogenetic location: 16p13.3.
Variant type: single nucleotide variant.
Coding change: c.1579C>T on transcript NM_004204.5 (MANE Select); coding-DNA position 1579, C replaced by T.
Protein change: p.Arg527Cys; replaces arginine 527 with cysteine.
Molecular consequence: missense variant. On other transcripts: intron variant (1).
Genome position (GRCh38, 1-based): chr16:582,295, C>T. VCF-style: chr16-582295-C-T. GRCh37 (hg19) VCF-style: chr16-632295-C-T.
Other names: c.1532-588C>T (NM_148920.4); short protein forms R527C.
Identifiers: ClinVar variation 1377699 (VCV001377699.4), dbSNP rs201414474, ClinGen allele CA7780451.

ClinVar aggregate classification (germline): Uncertain significance. Review status: criteria provided, multiple submitters, no conflicts (2 of 4 stars). 2 submissions from 2 submitters: Uncertain significance (2). Last evaluated 2024-09-05.

Conditions:
Epilepsy. Also called: Seizure disorder. Identifiers: MedGen C0014544, MeSH D004827, MONDO:0005027.

Allele frequency attached by ClinVar (database versions not stated): ESP Exome Variant Server 0.00008; ExAC 0.00009; 1000 Genomes Project 30x 0.00016; 1000 Genomes Project 0.00020; gnomAD 0.00022 and 0.00025; TOPMed 0.00029.
gnomAD v4.1: 139 of 1,601,548 alleles (0.0087%); highest among the groups gnomAD compares: African/African-American, 0.067%; no homozygotes.

Submissions (2):

Blueprint Genetics
Classification: Uncertain significance. Last evaluated: 2024-09-05. Review status: criteria provided, single submitter. Criteria: ACMG Guidelines, 2015. Collection method: clinical testing. Allele origin: germline.

Labcorp Genetics (formerly Invitae), Labcorp
Classification: Uncertain significance for Epilepsy. Last evaluated: 2022-10-05. Review status: criteria provided, single submitter. Criteria: Invitae Variant Classification Sherloc (09022015). Collection method: clinical testing. Allele origin: germline.
Comment: This sequence change replaces arginine, which is basic and polar, with cysteine, which is neutral and slightly polar, at codon 527 of the PIGQ protein (p.Arg527Cys). This variant is present in population databases (rs201414474, gnomAD 0.06%). This variant has not been reported in the literature in individuals affected with PIGQ-related conditions. ClinVar contains an entry for this variant (Variation ID: 1377699). Algorithms developed to predict the effect of missense changes on protein structure and function are either unavailable or do not agree on the potential impact of this missense change (SIFT: "Tolerated"; PolyPhen-2: "Possibly Damaging"; Align-GVGD: "Class C15"). In summary, the available evidence is currently insufficient to determine the role of this variant in disease. Therefore, it has been classified as a Variant of Uncertain Significance.